The following is an entry in ClinVar:

ClinVar aggregate classification (germline): Likely pathogenic. Review status: criteria provided, multiple submitters, no conflicts (2 of 4 stars). 2 submissions from 2 submitters: Likely pathogenic (2). Last evaluated 2023-08-25.

Conditions:
Intellectual developmental disorder, autosomal dominant 6, with or without seizures. Also called: Intellectual disability, autosomal dominant 6; GRIN2B-related developmental delay, intellectual disability and autism spectrum disorder. Identifiers: Orphanet 589547, MedGen C3151411, MONDO:0013509, OMIM 613970.

Submissions (2):

Genetics and Molecular Pathology, SA Pathology
Classification: Likely pathogenic for Intellectual developmental disorder, autosomal dominant 6, with or without seizures. Last evaluated: 2023-08-25. Review status: criteria provided, single submitter. Criteria: ACMG Guidelines, 2015. Collection method: clinical testing. Allele origin: germline. Affected: yes.

GeneDx
Classification: Likely pathogenic. Last evaluated: 2020-12-28. Review status: criteria provided, single submitter. Criteria: GeneDx Variant Classification Process June 2021. Collection method: clinical testing. Allele origin: germline. Affected: yes.
Comment: Not observed in large population cohorts (Lek et al., 2016); In silico analysis supports that this missense variant has a deleterious effect on protein structure/function; Has not been previously published as pathogenic or benign to our knowledge

NM_000834.5(GRIN2B):c.1456C>T (p.His486Tyr)

Gene: GRIN2B (glutamate ionotropic receptor NMDA type subunit 2B; minus strand). Cytogenetic location: 12p13.1.
Variant type: single nucleotide variant.
Coding change: c.1456C>T on transcript NM_000834.5 (MANE Select); coding-DNA position 1456, C replaced by T.
Protein change: p.His486Tyr; replaces histidine 486 with tyrosine.
Molecular consequence: missense variant.
Genome position (GRCh38, 1-based): chr12:13,615,537, G>A on the plus strand (C>T on the coding strand, the complement: GRIN2B is on the minus strand). VCF-style: chr12-13615537-G-A. GRCh37 (hg19) VCF-style: chr12-13768471-G-A.
Other names: short protein forms H486Y.
Identifiers: ClinVar variation 1179704 (VCV001179704.3), dbSNP rs2136479935, ClinGen allele CA384052129.
Genomic context (GRCh38, chr12:13,615,537, plus strand): 5'-CCTTGTGGACACTCACCTCTCCAATCATACCATTCCAGGTTCCATTGATTTTCTTCCCAT[G>A]CTTGCCATTGGTAACCAGGTAAAGGTCATAGGTGAACTTCACAGATTTAGAAATTTTCTT-3'
Protein context (NP_000825.2, residues 476-496): YDLYLVTNGK[His486Tyr]GKKINGTWNG